The following is an entry in ClinVar:

ClinVar aggregate classification (germline): Uncertain significance. Review status: criteria provided, multiple submitters, no conflicts (2 of 4 stars). 2 submissions from 2 submitters: Uncertain significance (2). Last evaluated 2023-04-27.

Conditions:
Cardiovascular phenotype. Identifiers: MedGen CN230736.
Long QT syndrome (LQTS). Identifiers: MedGen C0023976, MeSH D008133, MONDO:0002442. Disease mechanism: loss of function. Inheritance: Various modes of inheritance.

Allele frequency attached by ClinVar (database versions not stated): TOPMed below 0.00001.
gnomAD v4.1: 8 of 1,613,656 alleles (0.0005%); highest among the groups gnomAD compares: Admixed American, 0.0017%; no homozygotes.

Submissions (2):

Ambry Genetics
Classification: Uncertain significance for Cardiovascular phenotype. Last evaluated: 2023-04-27. Review status: criteria provided, single submitter. Criteria: Ambry Variant Classification Scheme 2023. Collection method: clinical testing. Allele origin: germline.
Comment: The p.N480D variant (also known as c.1438A>G), located in coding exon 8 of the AKAP9 gene, results from an A to G substitution at nucleotide position 1438. The asparagine at codon 480 is replaced by aspartic acid, an amino acid with highly similar properties. This amino acid position is poorly conserved in available vertebrate species. In addition, this alteration is predicted to be tolerated by in silico analysis. The evidence for this gene-disease relationship is limited; therefore, the clinical significance of this alteration is unclear.

Labcorp Genetics (formerly Invitae), Labcorp
Classification: Uncertain significance for Long QT syndrome. Last evaluated: 2022-05-01. Review status: criteria provided, single submitter. Criteria: Invitae Variant Classification Sherloc (09022015). Collection method: clinical testing. Allele origin: germline.
Comment: In summary, the available evidence is currently insufficient to determine the role of this variant in disease. Therefore, it has been classified as a Variant of Uncertain Significance. Algorithms developed to predict the effect of missense changes on protein structure and function output the following: SIFT: "Tolerated"; PolyPhen-2: "Benign"; Align-GVGD: "Class C0". The aspartic acid amino acid residue is found in multiple mammalian species, which suggests that this missense change does not adversely affect protein function. This variant has not been reported in the literature in individuals affected with AKAP9-related conditions. This variant is present in population databases (rs746546794, gnomAD 0.003%). This sequence change replaces asparagine, which is neutral and polar, with aspartic acid, which is acidic and polar, at codon 480 of the AKAP9 protein (p.Asn480Asp).

NM_005751.5(AKAP9):c.1438A>G (p.Asn480Asp)

Gene: AKAP9 (A-kinase anchoring protein 9; plus strand). Cytogenetic location: 7q21.2.
Variant type: single nucleotide variant.
Coding change: c.1438A>G on transcript NM_005751.5 (MANE Select); coding-DNA position 1438, A replaced by G.
Protein change: p.Asn480Asp; replaces asparagine 480 with aspartic acid.
Molecular consequence: missense variant.
Genome position (GRCh38, 1-based): chr7:92,001,355, A>G. VCF-style: chr7-92001355-A-G. GRCh37 (hg19) VCF-style: chr7-91630669-A-G.
Other names: c.1438A>G, p.Asn480Asp (NM_147185.3); short protein forms N480D.
Identifiers: ClinVar variation 1896114 (VCV001896114.7), dbSNP rs746546794, ClinGen allele CA4336014.